The following is an entry in ClinVar:

NM_005045.4(RELN):c.478A>G (p.Thr160Ala)

Gene: RELN (reelin; minus strand). Cytogenetic location: 7q22.1.
Variant type: single nucleotide variant.
Coding change: c.478A>G on transcript NM_005045.4 (MANE Select); coding-DNA position 478, A replaced by G.
Protein change: p.Thr160Ala; replaces threonine 160 with alanine.
Molecular consequence: missense variant.
Genome position (GRCh38, 1-based): chr7:103,776,623, T>C on the plus strand (A>G on the coding strand, the complement: RELN is on the minus strand). VCF-style: chr7-103776623-T-C. GRCh37 (hg19) VCF-style: chr7-103417070-T-C.
Other names: c.478A>G, p.Thr160Ala (NM_173054.3); short protein forms T160A.
Identifiers: ClinVar variation 5037297 (VCV005037297.1).
Genomic context (GRCh38, chr7:103,776,623, plus strand): 5'-GTTCACACAACTGCTGGGCTAAAGCATCTTTGAAAATAACCTGGCCCCGGTGTGTTGCTG[T>C]AGCCCTGGAAACAAATAGGAAAAGGTTAATTCAACTCTTGTAATATGTTTGGTGAAAATG-3'
Protein context (NP_005036.2, residues 150-170): AGTGCVNFMA[Thr160Ala]ATHRGQVIFK

ClinVar aggregate classification (germline): Uncertain significance (1 of 4 stars; one submission).

Submission:

GeneDx
Classification: Uncertain significance. Last evaluated: 2026-04-16. Review status: criteria provided, single submitter. Criteria: GeneDx Variant Classification Process June 2021. Collection method: clinical testing. Allele origin: germline.
Comment: Not observed at significant frequency in large population cohorts (gnomAD); In silico analysis suggests that this missense variant does not alter protein structure/function; Has not been previously published as pathogenic or benign to our knowledge